The following is an entry in ClinVar:

NM_006492.3(ALX3):c.232G>C (p.Gly78Arg)

Gene: ALX3 (ALX homeobox 3; minus strand). Cytogenetic location: 1p13.3.
Variant type: single nucleotide variant.
Coding change: c.232G>C on transcript NM_006492.3 (MANE Select); coding-DNA position 232, G replaced by C.
Protein change: p.Gly78Arg; replaces glycine 78 with arginine.
Molecular consequence: missense variant.
Genome position (GRCh38, 1-based): chr1:110,070,381, C>G on the plus strand (G>C on the coding strand, the complement: ALX3 is on the minus strand). VCF-style: chr1-110070381-C-G. GRCh37 (hg19) VCF-style: chr1-110613003-C-G.
Other names: short protein forms G78R.
Identifiers: ClinVar variation 2379188 (VCV002379188.4), dbSNP rs751418045, ClinGen allele CA997649.

ClinVar aggregate classification (germline): Uncertain significance. Review status: criteria provided, multiple submitters, no conflicts (2 of 4 stars). 2 submissions from 2 submitters: Uncertain significance (2). Last evaluated 2026-02-19.

Conditions:
ALX3-related disorder. Also called: ALX3-related condition.
Inborn genetic diseases. Identifiers: MedGen C0950123, MeSH D030342.

gnomAD v4.1: 235 of 1,286,928 alleles (0.018%); highest among the groups gnomAD compares: Non-Finnish European, 0.022%; no homozygotes.

Submissions (2):

PreventionGenetics, part of Exact Sciences
Classification: Uncertain significance for ALX3-related condition. Last evaluated: 2026-02-19. Review status: criteria provided, single submitter. Criteria: ACMG Guidelines, 2015. Collection method: clinical testing. Allele origin: germline.
Comment: The ALX3 c.232G>C variant is predicted to result in the amino acid substitution p.Gly78Arg. To our knowledge, this variant has not been reported in the literature. This variant is reported in 0.040% of alleles in individuals of European (Non-Finnish) descent in gnomAD. At this time, the clinical significance of this variant is uncertain due to the absence of conclusive functional and genetic evidence.

Ambry Genetics
Classification: Uncertain significance for Inborn genetic diseases. Last evaluated: 2025-04-14. Review status: criteria provided, single submitter. Criteria: Ambry Variant Classification Scheme 2023. Collection method: clinical testing. Allele origin: germline.